The following is an entry in ClinVar:

NM_007254.4(PNKP):c.1524G>C (p.Glu508Asp)

Gene: PNKP (polynucleotide kinase 3'-phosphatase; minus strand). Cytogenetic location: 19q13.33.
Variant type: single nucleotide variant.
Coding change: c.1524G>C on transcript NM_007254.4 (MANE Select); coding-DNA position 1524, G replaced by C.
Protein change: p.Glu508Asp; replaces glutamic acid 508 with aspartic acid.
Molecular consequence: missense variant.
Genome position (GRCh38, 1-based): chr19:49,861,290, C>G on the plus strand (G>C on the coding strand, the complement: PNKP is on the minus strand). VCF-style: chr19-49861290-C-G. GRCh37 (hg19) VCF-style: chr19-50364547-C-G.
Other names: p.E508D:GAG>GAC; short protein forms E508D.
Identifiers: ClinVar variation 206432 (VCV000206432.2), dbSNP rs752776104, ClinGen allele CA316533.
Genomic context (GRCh38, chr19:49,861,290, plus strand): 5'-AGGGGAGCTGGGCGGGGCTCAGCCCTCGGAGAACTGGCAGTACAGCCGCCCCAGCCTCGG[C>G]TCCACCCATAGCCGGAACGGGATCTCCAGGATGGCAGAGAAGCCTTCAGCCAGCGTTGGG-3'
Protein context (NP_009185.2, residues 498-518): ILEIPFRLWV[Glu508Asp]PRLGRLYCQF

ClinVar aggregate classification (germline): Uncertain significance (1 of 4 stars; one submission).

Allele frequency attached by ClinVar (database versions not stated): ExAC 0.00001; gnomAD exomes below 0.00001.
gnomAD v4.1: 4 of 1,613,994 alleles (0.00025%); highest among the groups gnomAD compares: South Asian, 0.0044%; no homozygotes.

Submission:

GeneDx
Classification: Uncertain significance. Last evaluated: 2014-10-03. Review status: criteria provided, single submitter. Criteria: GeneDx Variant Classification (06012015). Collection method: clinical testing. Allele origin: germline. Affected: yes.
Comment: The E508D variant has not been published as a mutation, nor has it been reported as a benign polymorphism to our knowledge. It was not observed in approximately 6,500 individuals of European and African American ancestry in the NHLBI Exome Sequencing Project, indicating it is not a common benign variant in these populations. The E508D variant is a conservative amino acid substitution, which is not likely to impact secondary protein structure as these residues share similar properties. This substitution occurs at a position that is not conserved across species and Aspartic acid is observed at this position in several other species. In silico analysis predicts this variant likely does not alter the protein structure/function. Therefore, based on the currently available information, it is unclear whether this variant is a pathogenic mutation or a rare benign variant. The variant is found in EPILEPSY panel(s).